The following is an entry in ClinVar:

ClinVar aggregate classification (germline): Likely pathogenic. Review status: criteria provided, multiple submitters, no conflicts (2 of 4 stars). 3 submissions from 3 submitters: Likely pathogenic (2). 1 of the submissions does not count toward it. Last evaluated 2024-04-13.

Conditions:
RASopathy. Also called: rasopathies; Noonan spectrum disorder. Identifiers: Orphanet 536391, MedGen C5555857, MONDO:0021060.
Noonan syndrome and Noonan-related syndrome. Identifiers: Orphanet 98733, MedGen C5681679, MONDO:0020297.

Allele frequency attached by ClinVar (database versions not stated): gnomAD exomes below 0.00001; TOPMed below 0.00001; ExAC 0.00001; gnomAD 0.00001.
gnomAD v4.1: 2 of 1,596,622 alleles (0.00013%); highest among the groups gnomAD compares: Non-Finnish European, 0.000086%; no homozygotes.

Submissions (3):

Labcorp Genetics (formerly Invitae), Labcorp
Classification: Likely pathogenic for RASopathy. Last evaluated: 2024-04-13. Review status: criteria provided, single submitter. Criteria: Invitae Variant Classification Sherloc (09022015). Collection method: clinical testing. Allele origin: germline.
Comment: This sequence change replaces glutamine, which is neutral and polar, with arginine, which is basic and polar, at codon 367 of the CBL protein (p.Gln367Arg). This variant is not present in population databases (gnomAD no frequency). This variant has not been reported in the literature in individuals affected with CBL-related conditions. ClinVar contains an entry for this variant (Variation ID: 1053208). Advanced modeling of protein sequence and biophysical properties (such as structural, functional, and spatial information, amino acid conservation, physicochemical variation, residue mobility, and thermodynamic stability) performed at Invitae indicates that this missense variant is expected to disrupt CBL protein function with a positive predictive value of 95%. This variant disrupts the p.Gln367 amino acid residue in CBL. Other variant(s) that disrupt this residue have been determined to be pathogenic (PMID: 20619386, 24458550, 25358541). This suggests that this residue is clinically significant, and that variants that disrupt this residue are likely to be disease-causing. In summary, the currently available evidence indicates that the variant is pathogenic, but additional data are needed to prove that conclusively. Therefore, this variant has been classified as Likely Pathogenic.

GeneDx
Classification: Likely pathogenic. Last evaluated: 2022-11-17. Review status: criteria provided, single submitter. Criteria: GeneDx Variant Classification Process June 2021. Collection method: clinical testing. Allele origin: germline. Affected: yes.
Comment: Identified as a de novo variant in an individual with a developmental disorder, but additional clinical information was not provided (Turner et al., 2019); Not observed at significant frequency in large population cohorts (gnomAD); In silico analysis supports that this missense variant has a deleterious effect on protein structure/function; This variant is associated with the following publications: (PMID: 31785789, 20619386, 22315494, 25358541, 20644105)

Genome Diagnostics Laboratory, The Hospital for Sick Children
Classification: Uncertain significance for Noonan syndrome and Noonan-related syndrome. Last evaluated: 2018-12-01. Review status: flagged submission. Criteria: ACMG Guidelines, 2015. Collection method: clinical testing. Allele origin: germline. Not counted in ClinVar's aggregate classification.
ClinVar note: Reason: Claim with insufficient supporting evidence

Literature cited by the submitters: PubMed 20619386 (cited by Labcorp Genetics (formerly Invitae), Labcorp); PubMed 24458550 (cited by Labcorp Genetics (formerly Invitae), Labcorp); PubMed 25358541 (cited by Labcorp Genetics (formerly Invitae), Labcorp).

NM_005188.4(CBL):c.1100A>G (p.Gln367Arg)

Gene: CBL (Cbl proto-oncogene; plus strand). Cytogenetic location: 11q23.3.
Variant type: single nucleotide variant.
Coding change: c.1100A>G on transcript NM_005188.4 (MANE Select); coding-DNA position 1100, A replaced by G.
Protein change: p.Gln367Arg; replaces glutamine 367 with arginine.
Molecular consequence: missense variant.
Genome position (GRCh38, 1-based): chr11:119,278,170, A>G. VCF-style: chr11-119278170-A-G. GRCh37 (hg19) VCF-style: chr11-119148880-A-G.
Other names: short protein forms Q367R.
Identifiers: ClinVar variation 1053208 (VCV001053208.15), dbSNP rs267606704, ClinGen allele CA6318431.